The following is an entry in ClinVar:

NM_001010867.4(IBA57):c.162C>T (p.Asp54=)

Gene: IBA57 (iron-sulfur cluster assembly factor IBA57; plus strand). Cytogenetic location: 1q42.13.
Variant type: single nucleotide variant.
Coding change: c.162C>T on transcript NM_001010867.4 (MANE Select); coding-DNA position 162, C replaced by T.
Protein change: p.Asp54=; no amino-acid change (aspartic acid 54 retained).
Molecular consequence: synonymous variant.
Genome position (GRCh38, 1-based): chr1:228,165,978, C>T. VCF-style: chr1-228165978-C-T. GRCh37 (hg19) VCF-style: chr1-228353679-C-T.
Other names: c.162C>T (NM_001010867.3).
Identifiers: ClinVar variation 385811 (VCV000385811.11), dbSNP rs762720562, ClinGen allele CA1431071.

ClinVar aggregate classification (germline): Likely benign. Review status: criteria provided, multiple submitters, no conflicts (2 of 4 stars). 3 submissions from 3 submitters: Likely benign (2). 1 of the submissions does not count toward it. Last evaluated 2025-12-04.

Conditions:
IBA57-related disorder. Also called: IBA57-related condition.
Hereditary spastic paraplegia 74. Also called: Spastic paraplegia 74, autosomal recessive. Identifiers: Orphanet 468661, MedGen C5568837, MONDO:0014644, OMIM 616451.
Multiple mitochondrial dysfunctions syndrome 3 (MMDS3). Identifiers: Orphanet 363424, MedGen C3809165, MONDO:0014132, OMIM 615330.

Allele frequency attached by ClinVar (database versions not stated): ExAC below 0.00001; gnomAD 0.00006; TOPMed 0.00011; 1000 Genomes Project 30x 0.00031; gnomAD exomes 0.00031.
gnomAD v4.1: 54 of 1,518,744 alleles (0.0036%); highest among the groups gnomAD compares: Admixed American, 0.1%; no homozygotes.

Submissions (3):

Labcorp Genetics (formerly Invitae), Labcorp
Classification: Likely benign for Multiple mitochondrial dysfunctions syndrome 3; Hereditary spastic paraplegia 74. Last evaluated: 2025-12-04. Review status: criteria provided, single submitter. Criteria: Invitae Variant Classification Sherloc (09022015). Collection method: clinical testing. Allele origin: germline.

GeneDx
Classification: Likely benign. Last evaluated: 2016-05-17. Review status: criteria provided, single submitter. Criteria: GeneDx Variant Classification (06012015). Collection method: clinical testing. Allele origin: germline. Affected: yes.
Comment: This variant is considered likely benign or benign based on one or more of the following criteria: it is a conservative change, it occurs at a poorly conserved position in the protein, it is predicted to be benign by multiple in silico algorithms, and/or has population frequency not consistent with disease.

PreventionGenetics, part of Exact Sciences
Classification: Likely benign for IBA57-related condition. Last evaluated: 2019-12-26. Review status: no assertion criteria provided. Collection method: clinical testing. Allele origin: germline. Not counted in ClinVar's aggregate classification.
Comment: This variant is classified as likely benign based on ACMG/AMP sequence variant interpretation guidelines (Richards et al. 2015 PMID: 25741868, with internal and published modifications).